The following is an entry in ClinVar:

ClinVar aggregate classification (germline): Pathogenic. Review status: criteria provided, multiple submitters, no conflicts (2 of 4 stars). 2 submissions from 2 submitters: Pathogenic (2). Last evaluated 2025-06-03.

Conditions:
Neurofibromatosis, type 1 (NF1). Also called: VON RECKLINGHAUSEN DISEASE; NEUROFIBROMATOSIS, TYPE I, SOMATIC; Peripheral type neurofibromatosis; Neurofibromatosis, type I. Identifiers: Orphanet 636, MedGen C0027831, MONDO:0018975, OMIM 162200. Disease mechanism: loss of function.

Submissions (2):

Labcorp Genetics (formerly Invitae), Labcorp
Classification: Pathogenic for Neurofibromatosis, type 1. Last evaluated: 2025-06-03. Review status: criteria provided, single submitter. Criteria: Invitae Variant Classification Sherloc (09022015). Collection method: clinical testing. Allele origin: germline.
Comment: This sequence change creates a premature translational stop signal (p.Tyr489*) in the NF1 gene. It is expected to result in an absent or disrupted protein product. Loss-of-function variants in NF1 are known to be pathogenic (PMID: 10712197, 23913538). This variant is not present in population databases (gnomAD no frequency). This variant has not been reported in the literature in individuals affected with NF1-related conditions. ClinVar contains an entry for this variant (Variation ID: 618252). For these reasons, this variant has been classified as Pathogenic.

ARUP Laboratories, Molecular Genetics and Genomics, ARUP Laboratories
Classification: Pathogenic. Last evaluated: 2018-03-16. Review status: criteria provided, single submitter. Criteria: ARUP Molecular Germline Variant Investigation Process. Collection method: clinical testing. Allele origin: germline.
Comment: The NF1 c.1467T>A; p.Tyr489Ter variant, to our knowledge, is not reported in the medical literature, in gene-specific databases, or in the ClinVar database. However, another variant in the same codon causing a nonsense variant, c.1467T>G; p.Tyr489Ter, is reported in a database as occurring de novo (see link below). The c.1467T>A variant is absent from general population databases (1000 Genomes Project, Exome Variant Server, and Genome Aggregation Database), indicating it is not a common polymorphism. This variant induces an early termination codon and is predicted to result in a truncated protein or mRNA subject to nonsense-mediated decay. Considering available information, this variant is classified as pathogenic. References: Link to NF1 c.1467T>G in database

Literature cited by the submitters: PubMed 10712197 (cited by Labcorp Genetics (formerly Invitae), Labcorp); PubMed 23913538 (cited by Labcorp Genetics (formerly Invitae), Labcorp).

NM_001042492.3(NF1):c.1467T>A (p.Tyr489Ter)

Gene: NF1 (neurofibromin 1; plus strand). Cytogenetic location: 17q11.2.
Variant type: single nucleotide variant.
Coding change: c.1467T>A on transcript NM_001042492.3 (MANE Select); coding-DNA position 1467, T replaced by A.
Protein change: p.Tyr489Ter; replaces tyrosine 489 with a stop codon.
Molecular consequence: nonsense.
Genome position (GRCh38, 1-based): chr17:31,214,525, T>A. VCF-style: chr17-31214525-T-A. GRCh37 (hg19) VCF-style: chr17-29541543-T-A.
Other names: c.1467T>A, p.Tyr489Ter (NM_000267.4, NM_001128147.3); short protein forms Y489*.
Identifiers: ClinVar variation 618252 (VCV000618252.9), dbSNP rs1567841799, ClinGen allele CA399001575.